The following is an entry in ClinVar:

ClinVar aggregate classification (germline): Pathogenic (1 of 4 stars; one submission).

Conditions:
DYRK1A-related intellectual disability syndrome (MRD7). Also called: DYRK1A Syndrome; Intellectual developmental disorder, autosomal dominant 7. Identifiers: Orphanet 464306, MedGen C5568143, MONDO:0013578, OMIM 614104.

Submission:

Research Center of Medical Experimental Technology, The Third Xiangya Hospital of Central South University
Classification: Pathogenic for DYRK1A-related intellectual disability syndrome. Last evaluated: 2026-10-29. Review status: criteria provided, single submitter. Criteria: ACMG Guidelines, 2015. Collection method: clinical testing. Allele origin: de novo. Affected: yes.
Comment: The c.1433dup variant, a duplication of ‘T’ at position c.1433 of the DYRK1A gene (NM_001396.5), causes a frame shift starting at codon 479 and creates a premature termination codon at position 6 of the new reading frame, demonstrated as p.Phe479Leufs*6. This variant is predicted to cause loss of normal protein function either through protein truncation or nonsense-mediated mRNA decay. The c.1433dup variant has not been reported in the literature or in population databases (no rsID available, no frequency in gnomAD). In summary, this variant meets the criteria to be classified as Pathogenic.

NM_001347721.2(DYRK1A):c.1406dup (p.Phe470fs)

Gene: DYRK1A (dual specificity tyrosine phosphorylation regulated kinase 1A; plus strand). Cytogenetic location: 21q22.13.
Variant type: Duplication.
Coding change: c.1406dup on transcript NM_001347721.2 (MANE Select); coding-DNA position 1406, one base duplicated (T; older notation c.1406dupT).
Protein change: p.Phe470fs; shifts the reading frame from phenylalanine 470.
Molecular consequence: frameshift variant.
Genome position (GRCh38, 1-based): chr21:37,505,476, T duplicated; the last of 3 consecutive T bases (chr21:37,505,474-37,505,476); duplicating any one gives the same sequence. VCF-style (leftmost placement, unchanged base first): chr21-37505473-G-GT. GRCh37 (hg19) VCF-style: chr21-38877776-G-GT.
Other names: NP_001387.2:p.Phe479fs; c.1406dup, p.Phe470fs (NM_001347722.2, NM_130436.2); c.1319dup, p.Phe441fs (NM_001347723.2); c.1433dup, p.Phe479fs (NM_001396.5, NM_101395.2, NM_130438.2); short protein forms F441fs, F470fs, F479fs.
Identifiers: ClinVar variation 5042596 (VCV005042596.1).
Genomic context (GRCh38, chr21:37,505,473, plus strand): 5'-TAAGGATGCTTGATTATGACCCCAAAACTCGAATTCAACCTTATTATGCTCTGCAGCACA[G>GT]TTTCTTCAAGAAAACAGCTGATGAAGGTACAAATACAAGTAATAGTGTATCTACAAGCCC-3'